The following is an entry in ClinVar:

ClinVar aggregate classification (germline): Uncertain significance. Review status: criteria provided, multiple submitters, no conflicts (2 of 4 stars). 2 submissions from 2 submitters: Uncertain significance (2). Last evaluated 2024-10-16.

Conditions:
Inborn genetic diseases. Identifiers: MedGen C0950123, MeSH D030342.

gnomAD v4.1: 116 of 1,613,470 alleles (0.0072%); highest among the groups gnomAD compares: South Asian, 0.098%; 1 homozygote.

Submissions (2):

GeneDx
Classification: Uncertain significance. Last evaluated: 2024-10-16. Review status: criteria provided, single submitter. Criteria: GeneDx Variant Classification Process June 2021. Collection method: clinical testing. Allele origin: germline. Affected: yes.
Comment: In silico analysis supports that this missense variant has a deleterious effect on protein structure/function; Has not been previously published as pathogenic or benign to our knowledge

Ambry Genetics
Classification: Uncertain significance for Inborn genetic diseases. Last evaluated: 2024-05-14. Review status: criteria provided, single submitter. Criteria: Ambry Variant Classification Scheme 2023. Collection method: clinical testing. Allele origin: germline.

NM_173086.5(KRT6C):c.778C>T (p.Arg260Cys)

Gene: KRT6C (keratin 6C; minus strand). Cytogenetic location: 12q13.13.
Variant type: single nucleotide variant.
Coding change: c.778C>T on transcript NM_173086.5 (MANE Select); coding-DNA position 778, C replaced by T.
Protein change: p.Arg260Cys; replaces arginine 260 with cysteine.
Molecular consequence: missense variant.
Genome position (GRCh38, 1-based): chr12:52,471,710, G>A on the plus strand (C>T on the coding strand, the complement: KRT6C is on the minus strand). VCF-style: chr12-52471710-G-A. GRCh37 (hg19) VCF-style: chr12-52865494-G-A.
Other names: short protein forms R260C.
Identifiers: ClinVar variation 3289487 (VCV003289487.2).